The following is an entry in ClinVar:

GRCh37/hg19 10q24.31-24.32(chr10:102958930-103445585)x3

Genes: BTRC (beta-transducin repeat containing E3 ubiquitin protein ligase; plus strand), DPCD (deleted in primary ciliary dyskinesia homolog (mouse); plus strand), FBXW4 (F-box and WD repeat domain containing 4; minus strand), LBX1 (ladybird homeobox 1; minus strand), POLL (DNA polymerase lambda; minus strand). Cytogenetic location: 10q24.31-24.32.
Variant type: copy number gain.
Change: copy number 3 (three copies instead of two) of chr10:102,958,930-103,445,585 (486.7 kb, GRCh37 coordinates, 1-based), cytogenetic band 10q24.31-24.32.
Identifiers: ClinVar variation 1807766 (VCV001807766.1).

ClinVar aggregate classification (germline): Pathogenic (1 of 4 stars; one submission).

Submission:

Quest Diagnostics Nichols Institute San Juan Capistrano
Classification: Pathogenic. Last evaluated: 2021-09-16. Review status: criteria provided, single submitter. Criteria: ACMG/ClinGen CNV Guidelines, 2019. Collection method: clinical testing. Allele origin: unknown.
Comment: The copy number gain of 10q24.31q24.32 involves multiple protein-coding genes and is expected to cause phenotypic and/or developmental abnormalities. It includes a full copy of BTRC (OMIM 603482) and multiple exons of the 3-prime portion of FBXW4 (OMIM 608071). Although none of these genes is currently associated with an OMIM phenotype, similar duplications of this region have been reported in patients with autosomal dominant split hand/foot malformation type 3 (SHFM3; OMIM 246560), a contiguous gene duplication syndrome characterized by limb malformations involving syndactyly, ectrodactyly (median clefts of the hands and feet), and aplasia and/or hypoplasia of the phalanges, metacarpals, and metatarsals. Some patients with SHFM3 may also have intellectual disability, ectodermal and craniofacial findings, orofacial clefting, and other congenital malformations (Holder-Espinasse 2019, Li 2015, Sowinska-Seidler 2014, Dimitrov 2010, Kano 2005). The precise genetic etiology for SHFM3 is unclear, though multiple genes have been implicated, including BTRC and FBXW4. Duplication of the first exon of BTRC has been proposed as a cause for the SHFM3 phenotype, a region where the highest density of conserved non-coding elements is found in the BTRC gene (Holder-Espinasse 2019, Li 2015, Lyle 2006). A potential role for FBXW4 disruption has also been proposed (Basel 2003, Ianakiev 1999, Sidow 1999). Additionally, it has been suggested that duplications of this region may lead to complex regulatory mechanisms altering the expression of genes required for proper limb morphogenesis (Dai 2013, Friedli 2008). References: Basel et al., Clin Genet. 2003 Oct;64(4):350-4. PMID: 12974740. Chen et al., Sci Rep. 2017 Sep 20;7(1):11919. PMID: 28931914. Dai et al., BMC Medical Genetics 2013,14:45 PMID: 23596994. Dimitrov et al., J Med Genet. 2010 Feb;47(2):103-11. PMID: 19584065. Friedli et al., Mamm Genome. 2008 Apr;19(4):272-8. PMID: 18392654. Holder-Espinasse et al., Eur J Hum Genet. 2019 Apr;27(4):525-534. PMID: 30622331. Ianakiev et al., Biochem Biophys Res Commun. 1999 Jul 22;261(1):64-70. PMID: 10405324. Kano et al., Hum Genet. 2005 Dec;118(3-4):477-83. PMID: 16235095. Li et al., Microarrays (Basel). 2015 Dec 24;5(1):2. PMID: 27600068. Lyle et al., Am J Med Genet A. 2006 Jul 1; 140(13):1384-95. PMID: 16691619. Petit et al., Eur J Med Genet. Sep-Oct 2011;54(5):e525-7. PMID: 21782985. Sidow et al., Nat Genet. 1999 Sep;23(1):104-7. PMID: 10471509. Sowinska-Seidler et al., J Appl Genet. 2014 Feb;55(1):105-15. PMID: 24163146.